The following is an entry in ClinVar:

ClinVar aggregate classification (germline): Uncertain significance (1 of 4 stars; one submission).

gnomAD v4.1: 20 of 1,600,124 alleles (0.0012%); highest among the groups gnomAD compares: South Asian, 0.0022%; no homozygotes.

Submission:

Labcorp Genetics (formerly Invitae), Labcorp
Classification: Uncertain significance. Last evaluated: 2024-09-03. Review status: criteria provided, single submitter. Criteria: Invitae Variant Classification Sherloc (09022015). Collection method: clinical testing. Allele origin: germline.
Comment: This sequence change replaces arginine, which is basic and polar, with tryptophan, which is neutral and slightly polar, at codon 770 of the MYH7B protein (p.Arg770Trp). The frequency data for this variant in the population databases is considered unreliable, as metrics indicate poor data quality at this position in the gnomAD database. This variant has not been reported in the literature in individuals affected with MYH7B-related conditions. An algorithm developed to predict the effect of missense changes on protein structure and function (PolyPhen-2) suggests that this variant is likely to be disruptive. In summary, the available evidence is currently insufficient to determine the role of this variant in disease. Therefore, it has been classified as a Variant of Uncertain Significance.

NM_020884.7(MYH7B):c.2182C>T (p.Arg728Trp)

Gene: MYH7B (myosin heavy chain 7B; plus strand). Cytogenetic location: 20q11.22.
Variant type: single nucleotide variant.
Coding change: c.2182C>T on transcript NM_020884.7 (MANE Select); coding-DNA position 2182, C replaced by T.
Protein change: p.Arg728Trp; replaces arginine 728 with tryptophan.
Molecular consequence: missense variant.
Genome position (GRCh38, 1-based): chr20:34,991,120, C>T. VCF-style: chr20-34991120-C-T. GRCh37 (hg19) VCF-style: chr20-33578923-C-T.
Other names: short protein forms R728W.
Identifiers: ClinVar variation 3610361 (VCV003610361.2).
Genomic context (GRCh38, chr20:34,991,120, plus strand): 5'-GGGATCCGGATCTGCCGCCAAGGGTTCCCCAACAGGTTGCTCTACACCGACTTCCGGCAG[C>T]GGTGGGTGACCCCTTCCCCCTGCCTGCTGCTCCAGGTGGAGGCCTGAGGGGCTGGGCAGG-3'
Protein context (NP_065935.4, residues 718-738): NRLLYTDFRQ[Arg728Trp]YRILNPSAIP